The following is an entry in ClinVar:

ClinVar aggregate classification (germline): Conflicting classifications of pathogenicity. Review status: criteria provided, conflicting classifications (1 of 4 stars). 2 submissions from 2 submitters: Uncertain significance (1); Likely benign (1). Last evaluated 2025-12-16.

Conditions:
Primary ciliary dyskinesia. Also called: Ciliary dyskinesia. Identifiers: Orphanet 244, MedGen C0008780, MONDO:0016575, HP:0012265.

Allele frequency attached by ClinVar (database versions not stated): ESP Exome Variant Server 0.00008; ExAC 0.00011; 1000 Genomes Project 30x 0.00016; gnomAD 0.00016; 1000 Genomes Project 0.00020; TOPMed 0.00026.
gnomAD v4.1: 124 of 1,613,160 alleles (0.0077%); highest among the groups gnomAD compares: African/African-American, 0.071%; no homozygotes.

Submissions (2):

Labcorp Genetics (formerly Invitae), Labcorp
Classification: Likely benign for Primary ciliary dyskinesia. Last evaluated: 2025-12-16. Review status: criteria provided, single submitter. Criteria: Invitae Variant Classification Sherloc (09022015). Collection method: clinical testing. Allele origin: germline.

Ambry Genetics
Classification: Uncertain significance for Primary ciliary dyskinesia. Last evaluated: 2024-11-10. Review status: criteria provided, single submitter. Criteria: Ambry Variant Classification Scheme 2023. Collection method: clinical testing. Allele origin: germline.
Comment: The p.R4449H variant (also known as c.13346G>A), located in coding exon 82 of the DNAH11 gene, results from a G to A substitution at nucleotide position 13346. The arginine at codon 4449 is replaced by histidine, an amino acid with highly similar properties. This amino acid position is not well conserved in available vertebrate species, and histidine is the reference amino acid in other vertebrate species. In addition, this alteration is predicted to be tolerated by in silico analysis. Since supporting evidence is limited at this time, the clinical significance of this alteration remains unclear.

NM_001277115.2(DNAH11):c.13346G>A (p.Arg4449His)

Genes: CDCA7L (cell division cycle associated 7 like; minus strand), DNAH11 (dynein axonemal heavy chain 11; plus strand). Cytogenetic location: 7p15.3.
Variant type: single nucleotide variant.
Coding change: c.13346G>A on transcript NM_001277115.2 (MANE Select); coding-DNA position 13346, G replaced by A.
Protein change: p.Arg4449His; replaces arginine 4449 with histidine.
Molecular consequence: missense variant. On other transcripts: 3 prime UTR variant (3).
Genome position (GRCh38, 1-based): chr7:21,901,049, G>A. VCF-style: chr7-21901049-G-A. GRCh37 (hg19) VCF-style: chr7-21940667-G-A.
Other names: c.*1273C>T (NM_001127370.3, NM_001127371.3, NM_018719.5); short protein forms R4449H.
Identifiers: ClinVar variation 525403 (VCV000525403.14), dbSNP rs138945257, ClinGen allele CA4183461.
Genomic context (GRCh38, chr7:21,901,049, plus strand): 5'-GCTGTGTTTTTGCCATAGGCGCCCGCTGGGACACCCAAGCAGGAACCATTGTTGAAGCCC[G>A]TCTCAAGGAGCTGGCATGCCCTATGCCGGTCATCTTTGCAAAAGCCACCCCCGTGGACAG-3'
Protein context (NP_001264044.1, residues 4439-4459): DTQAGTIVEA[Arg4449His]LKELACPMPV